The following is an entry in ClinVar:

ClinVar aggregate classification (germline): Uncertain significance (1 of 4 stars; one submission).

Conditions:
Cardiovascular phenotype. Identifiers: MedGen CN230736.

Submission:

Ambry Genetics
Classification: Uncertain significance for Cardiovascular phenotype. Last evaluated: 2021-11-22. Review status: criteria provided, single submitter. Criteria: Ambry Variant Classification Scheme 2023. Collection method: clinical testing. Allele origin: germline.
Comment: The p.N751I variant (also known as c.2252A>T), located in coding exon 13 of the EPHB4 gene, results from an A to T substitution at nucleotide position 2252. The asparagine at codon 751 is replaced by isoleucine, an amino acid with dissimilar properties. This amino acid position is conserved. In addition, the in silico prediction for this alteration is inconclusive. Since supporting evidence is limited at this time, the clinical significance of this alteration remains unclear.

NM_004444.5(EPHB4):c.2252A>T (p.Asn751Ile)

Gene: EPHB4 (EPH receptor B4; minus strand). Cytogenetic location: 7q22.1.
Variant type: single nucleotide variant.
Coding change: c.2252A>T on transcript NM_004444.5 (MANE Select); coding-DNA position 2252, A replaced by T.
Protein change: p.Asn751Ile; replaces asparagine 751 with isoleucine.
Molecular consequence: missense variant.
Genome position (GRCh38, 1-based): chr7:100,807,447, T>A on the plus strand (A>T on the coding strand, the complement: EPHB4 is on the minus strand). VCF-style: chr7-100807447-T-A. GRCh37 (hg19) VCF-style: chr7-100405069-T-A.
Other names: short protein forms N751I.
Identifiers: ClinVar variation 1788454 (VCV001788454.2), dbSNP rs200376692, ClinGen allele CA163276389.